The following is an entry in ClinVar:

NM_000431.4(MVK):c.1072C>T (p.Gln358Ter)

Gene: MVK (mevalonate kinase; plus strand). Cytogenetic location: 12q24.11.
Variant type: single nucleotide variant.
Coding change: c.1072C>T on transcript NM_000431.4 (MANE Select); coding-DNA position 1072, C replaced by T.
Protein change: p.Gln358Ter; replaces glutamine 358 with a stop codon.
Molecular consequence: nonsense. On other transcripts: synonymous variant (2), non-coding transcript variant (4).
Genome position (GRCh38, 1-based): chr12:109,596,458, C>T. VCF-style: chr12-109596458-C-T. GRCh37 (hg19) VCF-style: chr12-110034263-C-T.
Other names: c.1072C>T, p.Gln358Ter (NM_001114185.3, NM_001414511.1); c.916C>T, p.Gln306Ter (NM_001301182.2); c.1147C>T, p.Gln383Ter (NM_001414512.1); c.1083C>T, p.Ser361= (NM_001414513.1); c.927C>T, p.Ser309= (NM_001414514.1); c.490C>T, p.Gln164Ter (NM_001414515.1); short protein forms Q383*, Q358*, Q306*, Q164*.
Identifiers: ClinVar variation 2954526 (VCV002954526.3), dbSNP rs2548642823, ClinGen allele CA386651277.

ClinVar aggregate classification (germline): Pathogenic (1 of 4 stars; one submission).

Conditions:
Mevalonic aciduria (MEVA). Identifiers: Orphanet 29, MedGen C1959626, MONDO:0012481, OMIM 610377.
Porokeratosis 3, disseminated superficial actinic type (POROK3). Also called: POROKERATOSIS, DISSEMINATED SUPERFICIAL ACTINIC, 1; POROKERATOSIS 3, MULTIPLE TYPES; POROKERATOSIS 3, MIBELLI TYPE. Identifiers: MedGen C1867981, MONDO:0008293, OMIM 175900.
Hyperimmunoglobulin D with periodic fever (HIDS). Also called: Hyperimmunoglobulinemia D; HYPERIMMUNOGLOBULINEMIA D AND PERIODIC FEVER SYNDROME; Hyperimmunoglobulinemia D with periodic fever. Identifiers: Orphanet 343, MedGen C0398691, MONDO:0009849, OMIM 260920.

Submission:

Labcorp Genetics (formerly Invitae), Labcorp
Classification: Pathogenic for Mevalonic aciduria; Hyperimmunoglobulin D with periodic fever; Porokeratosis 3, disseminated superficial actinic type. Last evaluated: 2023-12-09. Review status: criteria provided, single submitter. Criteria: Invitae Variant Classification Sherloc (09022015). Collection method: clinical testing. Allele origin: germline.
Comment: This sequence change creates a premature translational stop signal (p.Gln358*) in the MVK gene. While this is not anticipated to result in nonsense mediated decay, it is expected to disrupt the last 39 amino acid(s) of the MVK protein. This variant is not present in population databases (gnomAD no frequency). This variant has not been reported in the literature in individuals affected with MVK-related conditions. This variant disrupts a region of the MVK protein in which other variant(s) (p.Arg388*) have been determined to be pathogenic (PMID: 23146290, 23998246, 27012807). This suggests that this is a clinically significant region of the protein, and that variants that disrupt it are likely to be disease-causing. For these reasons, this variant has been classified as Pathogenic.

Literature cited by the submitters: PubMed 23146290; PubMed 23998246; PubMed 27012807.